The following is an entry in ClinVar:

NM_001281740.3(FHOD3):c.607-9T>C

Gene: FHOD3 (formin homology 2 domain containing 3; plus strand). Cytogenetic location: 18q12.2.
Variant type: single nucleotide variant.
Coding change: c.607-9T>C on transcript NM_001281740.3 (MANE Select); 9 bases into the intron before coding-DNA position 607, T replaced by C.
Molecular consequence: intron variant.
Genome position (GRCh38, 1-based): chr18:36,594,778, T>C. VCF-style: chr18-36594778-T-C. GRCh37 (hg19) VCF-style: chr18-34174741-T-C.
Other names: c.607-9T>C (NM_025135.5, NM_001281739.3).
Identifiers: ClinVar variation 4986505 (VCV004986505.1).

ClinVar aggregate classification (germline): Likely benign (1 of 4 stars; one submission).

Conditions:
FHOD3-related disorder. Also called: FHOD3-related condition.

gnomAD v4.1: 2 of 1,607,504 alleles (0.00012%); highest among the groups gnomAD compares: African/African-American, 0.0027%; no homozygotes.

Submission:

PreventionGenetics, part of Exact Sciences
Classification: Likely benign for FHOD3-related condition. Last evaluated: 2026-02-17. Review status: criteria provided, single submitter. Criteria: ACMG Guidelines, 2015. Collection method: clinical testing. Allele origin: germline.
Comment: This variant is classified as likely benign based on ACMG/AMP sequence variant interpretation guidelines (Richards et al. 2015 PMID: 25741868, with internal and published modifications).